The following is an entry in ClinVar:

NM_007294.4(BRCA1):c.2166del (p.Asn723fs)

Gene: BRCA1 (BRCA1 DNA repair associated; minus strand). Cytogenetic location: 17q21.31.
Variant type: Deletion.
Coding change: c.2166del on transcript NM_007294.4 (MANE Select); coding-DNA position 2166, one base deleted (C; older notation c.2166delC).
Protein change: p.Asn723fs; shifts the reading frame from asparagine 723.
Molecular consequence: frameshift variant. On other transcripts: intron variant (137).
Genome position (GRCh38, 1-based): chr17:43,093,365, G deleted on the plus strand (C on the coding strand, the reverse complement: BRCA1 is on the minus strand). VCF-style (leftmost placement, unchanged base first): chr17-43093364-TG-T. GRCh37 (hg19) VCF-style: chr17-41245381-TG-T.
Other names: c.1830del, p.Asn611fs (NM_001407956.1, NM_001407958.1, NM_001407954.1 and 1 more transcripts); c.1833del, p.Asn612fs (NM_001407957.1, NM_001407946.1, NM_001407947.1 and 6 more transcripts); c.1785del, p.Asn596fs (NM_001407959.1, NM_001407960.1, NM_001407963.1); c.1782del, p.Asn595fs (NM_001407962.1); c.2022del, p.Asn675fs (NM_001407964.1, NM_001407740.1, NM_001407741.1 and 20 more transcripts); c.1662del, p.Asn555fs (NM_001407965.1); c.1278del, p.Asn427fs (NM_001407966.1, NM_001407967.1); c.2025del, p.Asn676fs (NM_007297.4, NM_001407692.1, NM_001407694.1 and 29 more transcripts); and 41 more; short protein forms N723fs, N676fs, N427fs, N595fs, N611fs, N675fs, N612fs, N655fs.
Identifiers: ClinVar variation 54480 (VCV000054480.3), dbSNP rs397508943, ClinGen allele CA001446.
Genomic context (GRCh38, chr17:43,093,364, plus strand): 5'-TATTAGACACTTTAACTGTTTCTAGTTTCTCTTCTTTTTCTTCTCTTGGAAGGCTAGGAT[TG>T]ACAAATTCTTTAAGTTCACTGGTATTTGAACACTTAGTAAAAGAACCAGGTGCATTTGTT-3'

ClinVar aggregate classification (germline): Pathogenic. Review status: reviewed by expert panel (3 of 4 stars). 2 submissions from 2 submitters: Pathogenic (1). 1 of the submissions does not count toward it. Last evaluated 2017-12-15.

Conditions:
Breast-ovarian cancer, familial, susceptibility to, 1 (BROVCA1). Also called: OVARIAN CANCER, SUSCEPTIBILITY TO; BRCA1 Hereditary Breast and Ovarian Cancer. Identifiers: Orphanet 145, MedGen C2676676, MONDO:0011450, OMIM 604370. Disease mechanism: loss of function.
Familial cancer of breast. Also called: Hereditary breast cancer; hereditary breast carcinoma; BREAST CANCER, FAMILIAL. Identifiers: Orphanet 227535, MedGen C0346153, MONDO:0016419, OMIM 114480. Disease mechanism: loss of function.

Submissions (2):

Evidence-based Network for the Interpretation of Germline Mutant Alleles (ENIGMA)
Classification: Pathogenic for Breast-ovarian cancer, familial, susceptibility to, 1. Last evaluated: 2017-12-15. Review status: reviewed by expert panel. Criteria: ENIGMA BRCA1/2 Classification Criteria (2017-06-29). Collection method: curation. Allele origin: germline. Study: ENIGMA.
Comment: Variant allele predicted to encode a truncated non-functional protein.

ClinVar Staff, National Center for Biotechnology Information (NCBI)
No classification provided. Condition: Familial cancer of breast. Review status: no classification provided. Collection method: literature only. Allele origin: germline. Affected: yes. Not counted in ClinVar's aggregate classification.

Literature cited by the submitters: PubMed 21990299 (cited by ClinVar Staff, National Center for Biotechnology Information (NCBI)).